The following is an entry in ClinVar:

NM_006648.4(WNK2):c.1557C>G (p.Phe519Leu)

Gene: WNK2 (WNK lysine deficient protein kinase 2; plus strand). Cytogenetic location: 9q22.31.
Variant type: single nucleotide variant.
Coding change: c.1557C>G on transcript NM_006648.4 (MANE Select); coding-DNA position 1557, C replaced by G.
Protein change: p.Phe519Leu; replaces phenylalanine 519 with leucine.
Molecular consequence: missense variant.
Genome position (GRCh38, 1-based): chr9:93,247,557, C>G. VCF-style: chr9-93247557-C-G. GRCh37 (hg19) VCF-style: chr9-96009839-C-G.
Other names: c.1557C>G, p.Phe519Leu (NM_001282394.3); short protein forms F519L.
Identifiers: ClinVar variation 4842071 (VCV004842071.1).

ClinVar aggregate classification (germline): Uncertain significance (1 of 4 stars; one submission).

Submission:

Ambry Genetics
Classification: Uncertain significance. Last evaluated: 2025-12-15. Review status: criteria provided, single submitter. Criteria: Ambry Variant Classification Scheme 2023. Collection method: clinical testing. Allele origin: germline.
Comment: The p.F519L variant (also known as c.1557C>G), located in coding exon 7 of the WNK2 gene, results from a C to G substitution at nucleotide position 1557. The phenylalanine at codon 519 is replaced by leucine, an amino acid with highly similar properties. This amino acid position is conserved. In addition, the in silico prediction for this alteration is inconclusive. Based on the available evidence, the clinical significance of this variant remains unclear.